The following is an entry in ClinVar:

NM_000264.5(PTCH1):c.1076C>T (p.Ala359Val)

Gene: PTCH1 (patched 1; minus strand). Cytogenetic location: 9q22.32.
Variant type: single nucleotide variant.
Coding change: c.1076C>T on transcript NM_000264.5 (MANE Select); coding-DNA position 1076, C replaced by T.
Protein change: p.Ala359Val; replaces alanine 359 with valine.
Molecular consequence: missense variant. On other transcripts: non-coding transcript variant (1).
Genome position (GRCh38, 1-based): chr9:95,479,139, G>A on the plus strand (C>T on the coding strand, the complement: PTCH1 is on the minus strand). VCF-style: chr9-95479139-G-A. GRCh37 (hg19) VCF-style: chr9-98241421-G-A.
Other names: c.878C>T, p.Ala293Val (NM_001083602.3); c.1073C>T, p.Ala358Val (NM_001083603.3); c.623C>T, p.Ala208Val (NM_001083604.3, NM_001083605.3, NM_001083606.3 and 1 more transcripts); c.1076C>T, p.Ala359Val (NM_001354918.2); short protein forms A358V, A293V, A208V, A359V.
Identifiers: ClinVar variation 937911 (VCV000937911.12), dbSNP rs1302357924, ClinGen allele CA374119524.
Genomic context (GRCh38, chr9:95,479,139, plus strand): 5'-TACCCCTTGAAGTGCTCGTACATTTGCTTGGGAGTCATTAACTGGAACATGGTCTGCAGG[G>A]CATGGGCGCTGCAGCACAGTCCAAGGGAAGGCACATCATCAGTATTCCCAGGAAGCAGTT-3'
Protein context (NP_000255.2, residues 349-369): NSTGKLVSAH[Ala359Val]LQTMFQLMTP

ClinVar aggregate classification (germline): Uncertain significance. Review status: criteria provided, multiple submitters, no conflicts (2 of 4 stars). 2 submissions from 2 submitters: Uncertain significance (2). Last evaluated 2026-04-24.

Conditions:
Hereditary cancer-predisposing syndrome. Also called: Hereditary Cancer Syndrome; Neoplastic Syndromes, Hereditary; Tumor predisposition; Hereditary neoplastic syndrome. Identifiers: Orphanet 140162, MedGen C0027672, MeSH D009386, MONDO:0015356.
Gorlin syndrome. Also called: Nevoid Basal Cell Carcinoma Syndrome; Basal cell nevus syndrome. Identifiers: Orphanet 377, MedGen C0004779, MONDO:0007187.

Allele frequency attached by ClinVar (database versions not stated): gnomAD exomes 0.00001; TOPMed 0.00001.
gnomAD v4.1: 5 of 1,614,038 alleles (0.00031%); highest among the groups gnomAD compares: Non-Finnish European, 0.00042%; no homozygotes.

Submissions (2):

Ambry Genetics
Classification: Uncertain significance for Hereditary cancer-predisposing syndrome. Last evaluated: 2026-04-24. Review status: criteria provided, single submitter. Criteria: Ambry Variant Classification Scheme 2023. Collection method: clinical testing. Allele origin: germline.
Comment: The p.A359V variant (also known as c.1076C>T), located in coding exon 8 of the PTCH1 gene, results from a C to T substitution at nucleotide position 1076. The alanine at codon 359 is replaced by valine, an amino acid with similar properties. This amino acid position is conserved. In addition, this alteration is predicted to be deleterious by in silico analysis. Since supporting evidence is limited at this time, the clinical significance of this alteration remains unclear.

Labcorp Genetics (formerly Invitae), Labcorp
Classification: Uncertain significance for Gorlin syndrome. Last evaluated: 2024-02-26. Review status: criteria provided, single submitter. Criteria: Invitae Variant Classification Sherloc (09022015). Collection method: clinical testing. Allele origin: germline.
Comment: This sequence change replaces alanine, which is neutral and non-polar, with valine, which is neutral and non-polar, at codon 359 of the PTCH1 protein (p.Ala359Val). This variant is not present in population databases (gnomAD no frequency). This variant has not been reported in the literature in individuals affected with PTCH1-related conditions. ClinVar contains an entry for this variant (Variation ID: 937911). Advanced modeling of protein sequence and biophysical properties (such as structural, functional, and spatial information, amino acid conservation, physicochemical variation, residue mobility, and thermodynamic stability) performed at Invitae indicates that this missense variant is expected to disrupt PTCH1 protein function with a positive predictive value of 80%. In summary, the available evidence is currently insufficient to determine the role of this variant in disease. Therefore, it has been classified as a Variant of Uncertain Significance.